The following is an entry in ClinVar:

NM_001022.4(RPS19):c.296_297del (p.Val99fs)

Genes: RPS19 (ribosomal protein S19; plus strand), RPS19-CD79A (RPS19-CD79A readthrough; plus strand). Cytogenetic location: 19q13.2.
Variant type: Microsatellite.
Coding change: c.296_297del on transcript NM_001022.4 (MANE Select); coding-DNA positions 296 to 297, 2 bases deleted (TG; older notation c.296_297delTG).
Protein change: p.Val99fs; shifts the reading frame from valine 99.
Molecular consequence: frameshift variant.
Genome position (GRCh38, 1-based): chr19:41,869,154-41,869,155, TG deleted; deleting any 2 consecutive bases within chr19:41,869,151-41,869,155 gives the same sequence; the c. name uses the placement nearest the transcript's 3' end. VCF-style (leftmost placement, unchanged base first): chr19-41869150-AGT-A. GRCh37 (hg19) VCF-style: chr19-42373220-AGT-A.
Other names: c.296_297del, p.Val99fs (NM_001321483.2, NM_001321484.2); c.309_310del, p.Cys103fs (NM_001321485.2); short protein forms C103fs, V99fs.
Identifiers: ClinVar variation 1687347 (VCV001687347.1), dbSNP rs1555841356, ClinGen allele CA2580614906.

ClinVar aggregate classification (germline): Pathogenic (1 of 4 stars; one submission).

Conditions:
Diamond-Blackfan anemia 1 (DBA1). Also called: RPS19-Related Diamond-Blackfan Anemia; BLACKFAN-DIAMOND SYNDROME; ANEMIA, CONGENITAL HYPOPLASTIC, OF BLACKFAN AND DIAMOND; ANEMIA, CONGENITAL ERYTHROID HYPOPLASTIC; RED CELL APLASIA, PURE, HEREDITARY; AREGENERATIVE ANEMIA, CHRONIC CONGENITAL. Identifiers: Orphanet 124, MedGen C2676137, MONDO:0007110, OMIM 105650.

Submission:

3billion
Classification: Pathogenic for Diamond-Blackfan anemia 1. Last evaluated: 2022-05-22. Review status: criteria provided, single submitter. Criteria: ACMG Guidelines, 2015. Collection method: clinical testing. Allele origin: germline. Affected: yes. Observed: 1 heterozygote.
Comment: The variant is not observed in the gnomAD v2.1.1 dataset. Frameshift: predicted to result in a loss or disruption of normal protein function through nonsense-mediated decay (NMD) or protein truncation. Multiple pathogenic variants are reported downstream of the variant. The variant has been reported to be associated with RPS19 related disorder (PMID: 10590074). Therefore, this variant is classified as pathogenic according to the recommendation of ACMG/AMP guideline.

Literature cited by the submitters: PubMed 10590074.